The following is an entry in ClinVar:

NM_001040142.2(SCN2A):c.1819_1831del (p.Arg607fs)

Gene: SCN2A (sodium voltage-gated channel alpha subunit 2; plus strand). Cytogenetic location: 2q24.3.
Variant type: Deletion.
Coding change: c.1819_1831del on transcript NM_001040142.2 (MANE Select); coding-DNA positions 1819 to 1831, 13 bases deleted (CGAAGAGACTCTC).
Protein change: p.Arg607fs; shifts the reading frame from arginine 607.
Molecular consequence: frameshift variant.
Genome position (GRCh38, 1-based): chr2:165,323,303-165,323,315, CGAAGAGACTCTC deleted; deleting any 13 consecutive bases within chr2:165,323,302-165,323,315 gives the same sequence; the c. name uses the placement nearest the transcript's 3' end. VCF-style (leftmost placement, unchanged base first): chr2-165323301-GCCGAAGAGACTCT-G. GRCh37 (hg19) VCF-style: chr2-166179811-GCCGAAGAGACTCT-G.
Other names: c.1819_1831del, p.Arg607fs (NM_001040143.2, NM_001371246.1, NM_001371247.1 and 1 more transcripts); short protein forms R607fs.
Identifiers: ClinVar variation 1365870 (VCV001365870.6), dbSNP rs2105276912, ClinGen allele CA2573133608.

ClinVar aggregate classification (germline): Pathogenic (1 of 4 stars; one submission).

Conditions:
Seizures, benign familial infantile, 3 (BFIS3). Also called: Familial neonatal seizures; CONVULSIONS, BENIGN FAMILIAL INFANTILE, 3. Identifiers: Orphanet 140927, Orphanet 306, MedGen C1843140, MONDO:0011904, OMIM 607745.
Developmental and epileptic encephalopathy, 11 (DEE11). Also called: Early infantile epileptic encephalopathy 11. Identifiers: Orphanet 1934, MedGen C3150987, MONDO:0013388, OMIM 613721.

Submission:

Labcorp Genetics (formerly Invitae), Labcorp
Classification: Pathogenic for Seizures, benign familial infantile, 3; Developmental and epileptic encephalopathy, 11. Last evaluated: 2021-09-05. Review status: criteria provided, single submitter. Criteria: Invitae Variant Classification Sherloc (09022015). Collection method: clinical testing. Allele origin: germline.
Comment: This sequence change creates a premature translational stop signal (p.Arg607Cysfs*30) in the SCN2A gene. It is expected to result in an absent or disrupted protein product. Loss-of-function variants in SCN2A are known to be pathogenic (PMID: 28379373). This variant is not present in population databases (ExAC no frequency). This variant has not been reported in the literature in individuals affected with SCN2A-related conditions. For these reasons, this variant has been classified as Pathogenic.

Literature cited by the submitters: PubMed 28379373.